The following is an entry in ClinVar:

ClinVar aggregate classification (germline): Pathogenic (1 of 4 stars; one submission).

Conditions:
Rubinstein-Taybi syndrome (RSTS). Identifiers: Orphanet 783, MedGen C0035934, MONDO:0019188.

Submission:

Labcorp Genetics (formerly Invitae), Labcorp
Classification: Pathogenic for Rubinstein-Taybi syndrome. Last evaluated: 2018-07-24. Review status: criteria provided, single submitter. Criteria: Invitae Variant Classification Sherloc (09022015). Collection method: clinical testing. Allele origin: germline.
Comment: This sequence change creates a premature translational stop signal (p.Gln1558*) in the CREBBP gene. It is expected to result in an absent or disrupted protein product. This variant is not present in population databases (ExAC no frequency). This variant has been observed in an individual affected with Rubinsteinâ€šÃ„Ã¬Taybi syndrome (PMID: 12566391). This variant is also known as 4672C>U in the literature. Loss-of-function variants in CREBBP are known to be pathogenic (PMID: 17052327, 18792986). For these reasons, this variant has been classified as Pathogenic.

Literature cited by the submitters: PubMed 12566391.

NM_004380.3(CREBBP):c.4672C>T (p.Gln1558Ter)

Gene: CREBBP (CREB binding lysine acetyltransferase; minus strand). Cytogenetic location: 16p13.3.
Variant type: single nucleotide variant.
Coding change: c.4672C>T on transcript NM_004380.3 (MANE Select); coding-DNA position 4672, C replaced by T.
Protein change: p.Gln1558Ter; replaces glutamine 1558 with a stop codon.
Molecular consequence: nonsense.
Genome position (GRCh38, 1-based): chr16:3,736,092, G>A on the plus strand (C>T on the coding strand, the complement: CREBBP is on the minus strand). VCF-style: chr16-3736092-G-A. GRCh37 (hg19) VCF-style: chr16-3786093-G-A.
Other names: c.4558C>T, p.Gln1520Ter (NM_001079846.1); short protein forms Q1558*, Q1520*.
Identifiers: ClinVar variation 650876 (VCV000650876.1), dbSNP rs778375586, ClinGen allele CA394562242.